The following is an entry in ClinVar:

ClinVar aggregate classification (germline): Likely benign (1 of 4 stars; one submission).

Allele frequency attached by ClinVar (database versions not stated): gnomAD exomes below 0.00001; ExAC 0.00001.
gnomAD v4.1: 2 of 1,614,056 alleles (0.00012%); no homozygotes.

Submission:

CeGaT Center for Human Genetics Tuebingen
Classification: Likely benign. Last evaluated: 2022-07-01. Review status: criteria provided, single submitter. Criteria: CeGaT Center For Human Genetics Tuebingen Variant Classification Criteria Version 2. Collection method: clinical testing. Allele origin: germline. Affected: yes. Observed: 1 variant allele.
Comment: TTN: PM2:Supporting, BP4, BP7

NM_001267550.2(TTN):c.3402A>G (p.Lys1134=)

Gene: TTN (titin; minus strand). Cytogenetic location: 2q31.2.
Variant type: single nucleotide variant.
Coding change: c.3402A>G on transcript NM_001267550.2 (MANE Select); coding-DNA position 3402, A replaced by G.
Protein change: p.Lys1134=; no amino-acid change (lysine 1134 retained).
Molecular consequence: synonymous variant.
Genome position (GRCh38, 1-based): chr2:178,781,242, T>C on the plus strand (A>G on the coding strand, the complement: TTN is on the minus strand). VCF-style: chr2-178781242-T-C. GRCh37 (hg19) VCF-style: chr2-179645969-T-C.
Other names: c.3402A>G, p.Lys1134= (NM_001256850.1, NM_133378.4, NM_133379.5); c.3264A>G, p.Lys1088= (NM_003319.4, NM_133432.3, NM_133437.4).
Identifiers: ClinVar variation 2651726 (VCV002651726.24), dbSNP rs771683416, ClinGen allele CA2005558.